The following is an entry in ClinVar:

NM_004415.4(DSP):c.8365A>G (p.Ile2789Val)

Gene: DSP (desmoplakin; plus strand). Cytogenetic location: 6p24.3.
Variant type: single nucleotide variant.
Coding change: c.8365A>G on transcript NM_004415.4 (MANE Select); coding-DNA position 8365, A replaced by G.
Protein change: p.Ile2789Val; replaces isoleucine 2789 with valine.
Molecular consequence: missense variant.
Genome position (GRCh38, 1-based): chr6:7,585,627, A>G. VCF-style: chr6-7585627-A-G. GRCh37 (hg19) VCF-style: chr6-7585860-A-G.
Other names: c.6568A>G, p.Ile2190Val (NM_001008844.3); c.7036A>G, p.Ile2346Val (NM_001319034.2); short protein forms I2789V, I2346V, I2190V.
Identifiers: ClinVar variation 44965 (VCV000044965.12), dbSNP rs397516965, ClinGen allele CA007505.

ClinVar aggregate classification (germline): Uncertain significance. Review status: criteria provided, multiple submitters, no conflicts (2 of 4 stars). 4 submissions from 4 submitters: Uncertain significance (4). Last evaluated 2024-08-31.

Conditions:
Arrhythmogenic cardiomyopathy with wooly hair and keratoderma. Also called: Dilated cardiomyopathy with woolly hair and keratoderma; Arrhythmogenic cardiomyopathy with woolly hair and keratoderma; PALMOPLANTAR KERATODERMA WITH LEFT VENTRICULAR CARDIOMYOPATHY AND WOOLLY HAIR; Carvajal syndrome. Identifiers: Orphanet 65282, MedGen C1854063, MONDO:0011581, OMIM 605676.
Arrhythmogenic right ventricular dysplasia 8 (ARVD8). Also called: Arrhythmogenic Right Ventricular Dysplasia/Cardiomyopathy 8; ARRHYTHMOGENIC RIGHT VENTRICULAR DYSPLASIA, FAMILIAL, 8; ARRHYTHMOGENIC RIGHT VENTRICULAR CARDIOMYOPATHY 8. Identifiers: MedGen C1843896, MONDO:0011831, OMIM 607450.
Cardiomyopathy (CMYO). Also called: Cardiomyopathies. Identifiers: Orphanet 167848, MedGen C0878544, MONDO:0004994, HP:0001638. Inheritance: Various modes of inheritance.

Allele frequency attached by ClinVar (database versions not stated): gnomAD exomes below 0.00001.
gnomAD v4.1: 3 of 1,614,264 alleles (0.00019%); highest among the groups gnomAD compares: Middle Eastern, 0.016%; no homozygotes.

Submissions (4):

Labcorp Genetics (formerly Invitae), Labcorp
Classification: Uncertain significance for Arrhythmogenic cardiomyopathy with wooly hair and keratoderma; Arrhythmogenic right ventricular dysplasia 8. Last evaluated: 2024-08-31. Review status: criteria provided, single submitter. Criteria: Invitae Variant Classification Sherloc (09022015). Collection method: clinical testing. Allele origin: germline.
Comment: This sequence change replaces isoleucine, which is neutral and non-polar, with valine, which is neutral and non-polar, at codon 2789 of the DSP protein (p.Ile2789Val). This variant is not present in population databases (gnomAD no frequency). This variant has not been reported in the literature in individuals affected with DSP-related conditions. ClinVar contains an entry for this variant (Variation ID: 44965). An algorithm developed to predict the effect of missense changes on protein structure and function outputs the following: PolyPhen-2: "Benign". The valine amino acid residue is found in multiple mammalian species, which suggests that this missense change does not adversely affect protein function. In summary, the available evidence is currently insufficient to determine the role of this variant in disease. Therefore, it has been classified as a Variant of Uncertain Significance.

Color Diagnostics, LLC DBA Color Health
Classification: Uncertain significance for Cardiomyopathy. Last evaluated: 2024-03-06. Review status: criteria provided, single submitter. Criteria: ACMG Guidelines, 2015. Collection method: clinical testing. Allele origin: germline.
Comment: This missense variant replaces isoleucine with valine at codon 2789 of the DSP protein. Computational prediction suggests that this variant may not impact protein structure and function (internally defined REVEL score threshold <= 0.5, PMID: 27666373). To our knowledge, functional studies have not been reported for this variant. This variant has not been reported in individuals affected with DSP-related disorders in the literature. This variant has not been identified in the general population by the Genome Aggregation Database (gnomAD). The available evidence is insufficient to determine the role of this variant in disease conclusively. Therefore, this variant is classified as a Variant of Uncertain Significance.

All of Us Research Program, National Institutes of Health
Classification: Uncertain significance for Arrhythmogenic cardiomyopathy with wooly hair and keratoderma. Last evaluated: 2023-04-10. Review status: criteria provided, single submitter. Criteria: ACMG Guidelines, 2015. Collection method: clinical testing. Allele origin: germline. Inheritance: Autosomal dominant inheritance. Observed: 1 variant allele, 1 heterozygote.
Comment: This missense variant replaces isoleucine with valine at codon 2789 of the DSP protein. Computational prediction suggests that this variant may not impact protein structure and function (internally defined REVEL score threshold <= 0.5, PMID: 27666373). To our knowledge, functional studies have not been reported for this variant. This variant has not been reported in individuals affected with DSP-related disorders in the literature. This variant has not been identified in the general population by the Genome Aggregation Database (gnomAD). The available evidence is insufficient to determine the role of this variant in disease conclusively. Therefore, this variant is classified as a Variant of Uncertain Significance.

This study involves interpretation of variants in research participants for the purpose of population health screening. Participant phenotype was not available at the time of variant classification. Additional details can be found in publication PMID: 35346344, PMCID: PMC8962531

Laboratory for Molecular Medicine, Mass General Brigham Personalized Medicine
Classification: Uncertain significance. Last evaluated: 2013-03-08. Review status: criteria provided, single submitter. Criteria: LMM Criteria. Collection method: clinical testing. Allele origin: germline. Observed: 1 variant allele.
Comment: Variant classified as Uncertain Significance - Favor Benign. The Ile2789Val vari ant in DSP has not been reported in the literature nor previously identified by our laboratory. This variant has also not been identified in broad European Amer ican and African American populations by the NHLBI Exome Sequencing Project, though it may be present in other populations. I soleucine at position 2789 is poorly conserved in evolution and a valine (Val; t his variant) is present in several species, including mammals, suggesting that t his change may be tolerated. Computational analyses (biochemical amino acid prop erties, AlignGVGD, PolyPhen2, and SIFT) also suggest that the Ile2789Val variant may not impact the protein, though this information is not predictive enough to rule out pathogenicity. This variant is less likely disease causing but additio nal studies are needed to fully assess its clinical significance.